The following is an entry in ClinVar:

NM_006182.4(DDR2):c.1466G>A (p.Arg489Gln)

Gene: DDR2 (discoidin domain receptor tyrosine kinase 2; plus strand). Cytogenetic location: 1q23.3.
Variant type: single nucleotide variant.
Coding change: c.1466G>A on transcript NM_006182.4 (MANE Select); coding-DNA position 1466, G replaced by A.
Protein change: p.Arg489Gln; replaces arginine 489 with glutamine.
Molecular consequence: missense variant.
Genome position (GRCh38, 1-based): chr1:162,770,474, G>A. VCF-style: chr1-162770474-G-A. GRCh37 (hg19) VCF-style: chr1-162740264-G-A.
Other names: c.1466G>A, p.Arg489Gln (NM_001014796.3, NM_001354982.2, NM_001354983.2); short protein forms R489Q.
Identifiers: ClinVar variation 1473728 (VCV001473728.9), dbSNP rs756149068, ClinGen allele CA1217525.

ClinVar aggregate classification (germline): Uncertain significance (1 of 4 stars; one submission).

Allele frequency attached by ClinVar (database versions not stated): gnomAD exomes 0.00001 and 0.00003; ExAC 0.00002; gnomAD 0.00003 and 0.00006; TOPMed 0.00003.
gnomAD v4.1: 24 of 1,613,964 alleles (0.0015%); highest among the groups gnomAD compares: South Asian, 0.0088%; no homozygotes.

Submission:

Labcorp Genetics (formerly Invitae), Labcorp
Classification: Uncertain significance. Last evaluated: 2022-07-12. Review status: criteria provided, single submitter. Criteria: Invitae Variant Classification Sherloc (09022015). Collection method: clinical testing. Allele origin: germline.
Comment: In summary, the available evidence is currently insufficient to determine the role of this variant in disease. Therefore, it has been classified as a Variant of Uncertain Significance. Algorithms developed to predict the effect of missense changes on protein structure and function are either unavailable or do not agree on the potential impact of this missense change (SIFT: "Deleterious"; PolyPhen-2: "Benign"; Align-GVGD: "Class C35"). ClinVar contains an entry for this variant (Variation ID: 1473728). This variant has not been reported in the literature in individuals affected with DDR2-related conditions. This variant is present in population databases (rs756149068, gnomAD 0.01%). This sequence change replaces arginine, which is basic and polar, with glutamine, which is neutral and polar, at codon 489 of the DDR2 protein (p.Arg489Gln).